The following is an entry in ClinVar:

NM_000214.3(JAG1):c.3259A>G (p.Thr1087Ala)

Gene: JAG1 (jagged canonical Notch ligand 1; minus strand). Cytogenetic location: 20p12.2.
Variant type: single nucleotide variant.
Coding change: c.3259A>G on transcript NM_000214.3 (MANE Select); coding-DNA position 3259, A replaced by G.
Protein change: p.Thr1087Ala; replaces threonine 1087 with alanine.
Molecular consequence: missense variant.
Genome position (GRCh38, 1-based): chr20:10,639,896, T>C on the plus strand (A>G on the coding strand, the complement: JAG1 is on the minus strand). VCF-style: chr20-10639896-T-C. GRCh37 (hg19) VCF-style: chr20-10620544-T-C.
Other names: short protein forms T1087A.
Identifiers: ClinVar variation 1483713 (VCV001483713.9), dbSNP rs1600177820, ClinGen allele CA408243595.

ClinVar aggregate classification (germline): Uncertain significance. Review status: criteria provided, multiple submitters, no conflicts (2 of 4 stars). 2 submissions from 2 submitters: Uncertain significance (2). Last evaluated 2024-01-19.

Conditions:
Alagille syndrome due to a JAG1 point mutation. Also called: Alagille Syndrome 1; HEPATIC DUCTULAR HYPOPLASIA, SYNDROMATIC; JAG1-Related Alagille Syndrome. Identifiers: Orphanet 261619, Orphanet 52, MedGen C1956125, MONDO:0016862, OMIM 118450.

Allele frequency attached by ClinVar (database versions not stated): gnomAD exomes below 0.00001.
gnomAD v4.1: 1 of 1,614,160 alleles (0.000062%); highest among the groups gnomAD compares: African/African-American, 0.0013%; no homozygotes.

Submissions (2):

Labcorp Genetics (formerly Invitae), Labcorp
Classification: Uncertain significance for Alagille syndrome due to a JAG1 point mutation. Last evaluated: 2024-01-19. Review status: criteria provided, single submitter. Criteria: Invitae Variant Classification Sherloc (09022015). Collection method: clinical testing. Allele origin: germline.
Comment: This sequence change replaces threonine, which is neutral and polar, with alanine, which is neutral and non-polar, at codon 1087 of the JAG1 protein (p.Thr1087Ala). This variant is not present in population databases (gnomAD no frequency). This variant has not been reported in the literature in individuals affected with JAG1-related conditions. ClinVar contains an entry for this variant (Variation ID: 1483713). Advanced modeling of protein sequence and biophysical properties (such as structural, functional, and spatial information, amino acid conservation, physicochemical variation, residue mobility, and thermodynamic stability) performed at Invitae indicates that this missense variant is not expected to disrupt JAG1 protein function with a negative predictive value of 95%. In summary, the available evidence is currently insufficient to determine the role of this variant in disease. Therefore, it has been classified as a Variant of Uncertain Significance.

Blueprint Genetics
Classification: Uncertain significance. Last evaluated: 2021-10-12. Review status: criteria provided, single submitter. Criteria: ACMG Guidelines, 2015. Collection method: clinical testing. Allele origin: germline.